The following is an entry in ClinVar:

NM_017617.5(NOTCH1):c.2280C>A (p.Asn760Lys)

Gene: NOTCH1 (notch receptor 1; minus strand). Cytogenetic location: 9q34.3.
Variant type: single nucleotide variant.
Coding change: c.2280C>A on transcript NM_017617.5 (MANE Select); coding-DNA position 2280, C replaced by A.
Protein change: p.Asn760Lys; replaces asparagine 760 with lysine.
Molecular consequence: missense variant.
Genome position (GRCh38, 1-based): chr9:136,513,465, G>T on the plus strand (C>A on the coding strand, the complement: NOTCH1 is on the minus strand). VCF-style: chr9-136513465-G-T. GRCh37 (hg19) VCF-style: chr9-139407917-G-T.
Other names: short protein forms N760K.
Identifiers: ClinVar variation 1788932 (VCV001788932.7), dbSNP rs371287009, ClinGen allele CA201585392.

ClinVar aggregate classification (germline): Uncertain significance. Review status: criteria provided, multiple submitters, no conflicts (2 of 4 stars). 2 submissions from 2 submitters: Uncertain significance (2). Last evaluated 2022-06-19.

Conditions:
Adams-Oliver syndrome 5 (AOS5). Identifiers: Orphanet 974, MedGen C4014970, MONDO:0014459, OMIM 616028.
Familial thoracic aortic aneurysm and aortic dissection (TAAD). Also called: Thoracic aortic aneurysms and dissections. Identifiers: Orphanet 91387, MedGen C4707243, MONDO:0019625.

Allele frequency attached by ClinVar (database versions not stated): gnomAD exomes below 0.00001; ESP Exome Variant Server 0.00008.
gnomAD v4.1: 1 of 1,613,242 alleles (0.000062%); highest among the groups gnomAD compares: Non-Finnish European, 0.000085%; no homozygotes.

Submissions (2):

Ambry Genetics
Classification: Uncertain significance for Familial thoracic aortic aneurysm and aortic dissection. Last evaluated: 2022-06-19. Review status: criteria provided, single submitter. Criteria: Ambry Variant Classification Scheme 2023. Collection method: clinical testing. Allele origin: germline.
Comment: The p.N760K variant (also known as c.2280C>A), located in coding exon 14 of the NOTCH1 gene, results from a C to A substitution at nucleotide position 2280. The asparagine at codon 760 is replaced by lysine, an amino acid with similar properties. This amino acid position is conserved. In addition, the in silico prediction for this alteration is inconclusive. Since supporting evidence is limited at this time, the clinical significance of this alteration remains unclear.

Labcorp Genetics (formerly Invitae), Labcorp
Classification: Uncertain significance for Adams-Oliver syndrome 5. Last evaluated: 2022-03-14. Review status: criteria provided, single submitter. Criteria: Invitae Variant Classification Sherloc (09022015). Collection method: clinical testing. Allele origin: germline.
Comment: In summary, the available evidence is currently insufficient to determine the role of this variant in disease. Therefore, it has been classified as a Variant of Uncertain Significance. Advanced modeling of protein sequence and biophysical properties (such as structural, functional, and spatial information, amino acid conservation, physicochemical variation, residue mobility, and thermodynamic stability) performed at Invitae indicates that this missense variant is not expected to disrupt NOTCH1 protein function. This variant has not been reported in the literature in individuals affected with NOTCH1-related conditions. This variant is not present in population databases (gnomAD no frequency). This sequence change replaces asparagine, which is neutral and polar, with lysine, which is basic and polar, at codon 760 of the NOTCH1 protein (p.Asn760Lys).